The following is an entry in ClinVar:

ClinVar aggregate classification (germline): Uncertain significance. Review status: criteria provided, multiple submitters, no conflicts (2 of 4 stars). 3 submissions from 3 submitters: Uncertain significance (3). Last evaluated 2024-11-07.

Conditions:
Peroxisome biogenesis disorder. Identifiers: Orphanet 79189, MedGen C1832200, MONDO:0019234. Disease mechanism: loss of function.
Inborn genetic diseases. Identifiers: MedGen C0950123, MeSH D030342.

Allele frequency attached by ClinVar (database versions not stated): gnomAD 0.00001; TOPMed 0.00001.
gnomAD v4.1: 4 of 1,518,296 alleles (0.00026%); highest among the groups gnomAD compares: Non-Finnish European, 0.00026%; no homozygotes.

Submissions (3):

Ambry Genetics
Classification: Uncertain significance for Inborn genetic diseases. Last evaluated: 2024-11-07. Review status: criteria provided, single submitter. Criteria: Ambry Variant Classification Scheme 2023. Collection method: clinical testing. Allele origin: germline.

Labcorp Genetics (formerly Invitae), Labcorp
Classification: Uncertain significance for Peroxisome biogenesis disorder. Last evaluated: 2022-02-21. Review status: criteria provided, single submitter. Criteria: Invitae Variant Classification Sherloc (09022015). Collection method: clinical testing. Allele origin: germline.
Comment: This sequence change replaces proline, which is neutral and non-polar, with leucine, which is neutral and non-polar, at codon 47 of the PEX6 protein (p.Pro47Leu). This variant is not present in population databases (gnomAD no frequency). This variant has not been reported in the literature in individuals affected with PEX6-related conditions. Algorithms developed to predict the effect of missense changes on protein structure and function are either unavailable or do not agree on the potential impact of this missense change (SIFT: "Tolerated"; PolyPhen-2: "Probably Damaging"; Align-GVGD: "Class C0"). In summary, the available evidence is currently insufficient to determine the role of this variant in disease. Therefore, it has been classified as a Variant of Uncertain Significance.

Blueprint Genetics
Classification: Uncertain significance. Last evaluated: 2019-05-11. Review status: criteria provided, single submitter. Criteria: ACMG Guidelines, 2015. Collection method: clinical testing. Allele origin: germline.

NM_000287.4(PEX6):c.140C>T (p.Pro47Leu)

Gene: PEX6 (peroxisomal biogenesis factor 6; minus strand). Cytogenetic location: 6p21.1.
Variant type: single nucleotide variant.
Coding change: c.140C>T on transcript NM_000287.4 (MANE Select); coding-DNA position 140, C replaced by T.
Protein change: p.Pro47Leu; replaces proline 47 with leucine.
Molecular consequence: missense variant. On other transcripts: non-coding transcript variant (1).
Genome position (GRCh38, 1-based): chr6:42,979,011, G>A on the plus strand (C>T on the coding strand, the complement: PEX6 is on the minus strand). VCF-style: chr6-42979011-G-A. GRCh37 (hg19) VCF-style: chr6-42946749-G-A.
Other names: c.140C>T (NM_000287.3); c.140C>T, p.Pro47Leu (NM_001316313.2); short protein forms P47L.
Identifiers: ClinVar variation 1441969 (VCV001441969.5), dbSNP rs1299683224, ClinGen allele CA364168822.